The following is an entry in ClinVar:

NM_003052.5(SLC34A1):c.1690C>T (p.Arg564Trp)

Gene: SLC34A1 (solute carrier family 34 member 1; plus strand). Cytogenetic location: 5q35.3.
Variant type: single nucleotide variant.
Coding change: c.1690C>T on transcript NM_003052.5 (MANE Select); coding-DNA position 1690, C replaced by T.
Protein change: p.Arg564Trp; replaces arginine 564 with tryptophan.
Molecular consequence: missense variant.
Genome position (GRCh38, 1-based): chr5:177,398,056, C>T. VCF-style: chr5-177398056-C-T. GRCh37 (hg19) VCF-style: chr5-176825057-C-T.
Other names: c.1690C>T (NM_003052.4); short protein forms R564W.
Identifiers: ClinVar variation 1044646 (VCV001044646.8), dbSNP rs146096892, ClinGen allele CA3580861.
Genomic context (GRCh38, chr5:177,398,056, plus strand): 5'-GTGGGCACGCCCTTCGGGGCCCTGCTGGCCTTCGTGGTGCTCATCAATGTCCTGCAGAGT[C>T]GGAGTCCCGGGCACCTGCCCAAGTGGTTACAGACATGGGACTTCCTGCCTCGCTGGATGC-3'
Protein context (NP_003043.3, residues 554-574): FVVLINVLQS[Arg564Trp]SPGHLPKWLQ

ClinVar aggregate classification (germline): Uncertain significance. Review status: criteria provided, multiple submitters, no conflicts (2 of 4 stars). 3 submissions from 3 submitters: Uncertain significance (3). Last evaluated 2024-01-09.

Conditions:
Hypophosphatemic nephrolithiasis/osteoporosis 1. Identifiers: Orphanet 244305, MedGen C2676786, MONDO:0012850, OMIM 612286.
Fanconi renotubular syndrome 2 (FRTS2). Identifiers: MedGen C3150652, MONDO:0013247, OMIM 613388.
Hypercalcemia, infantile, 2 (HCINF2). Identifiers: Orphanet 300547, MedGen C4310473, MONDO:0014851, OMIM 616963.
Inborn genetic diseases. Identifiers: MedGen C0950123, MeSH D030342.

Allele frequency attached by ClinVar (database versions not stated): ExAC 0.00007; gnomAD 0.00007 and 0.00008; ESP Exome Variant Server 0.00008; gnomAD exomes 0.00009; TOPMed 0.00009.
gnomAD v4.1: 52 of 1,613,850 alleles (0.0032%); highest among the groups gnomAD compares: Admixed American, 0.045%; no homozygotes.

Submissions (3):

Ambry Genetics
Classification: Uncertain significance for Inborn genetic diseases. Last evaluated: 2024-01-09. Review status: criteria provided, single submitter. Criteria: Ambry Variant Classification Scheme 2023. Collection method: clinical testing. Allele origin: germline.

Labcorp Genetics (formerly Invitae), Labcorp
Classification: Uncertain significance. Last evaluated: 2022-06-04. Review status: criteria provided, single submitter. Criteria: Invitae Variant Classification Sherloc (09022015). Collection method: clinical testing. Allele origin: germline.
Comment: This sequence change replaces arginine, which is basic and polar, with tryptophan, which is neutral and slightly polar, at codon 564 of the SLC34A1 protein (p.Arg564Trp). This variant is present in population databases (rs146096892, gnomAD 0.05%). This variant has not been reported in the literature in individuals affected with SLC34A1-related conditions. ClinVar contains an entry for this variant (Variation ID: 1044646). Algorithms developed to predict the effect of missense changes on protein structure and function are either unavailable or do not agree on the potential impact of this missense change (SIFT: "Deleterious"; PolyPhen-2: "Possibly Damaging"; Align-GVGD: "Class C0"). In summary, the available evidence is currently insufficient to determine the role of this variant in disease. Therefore, it has been classified as a Variant of Uncertain Significance.

Fulgent Genetics
Classification: Uncertain significance for Hypophosphatemic nephrolithiasis/osteoporosis 1; Fanconi renotubular syndrome 2; Hypercalcemia, infantile, 2. Last evaluated: 2022-05-31. Review status: criteria provided, single submitter. Criteria: ACMG Guidelines, 2015. Collection method: clinical testing. Allele origin: unknown.